The following is an entry in ClinVar:

NM_016492.5(RANGRF):c.256C>T (p.Gln86Ter)

Genes: RANGRF (RAN guanine nucleotide release factor; plus strand), SLC25A35 (solute carrier family 25 member 35; minus strand). Cytogenetic location: 17p13.1.
Variant type: single nucleotide variant.
Coding change: c.256C>T on transcript NM_016492.5 (MANE Select); coding-DNA position 256, C replaced by T.
Protein change: p.Gln86Ter; replaces glutamine 86 with a stop codon.
Molecular consequence: nonsense. On other transcripts: 3 prime UTR variant (2), non-coding transcript variant (2), intron variant (1).
Genome position (GRCh38, 1-based): chr17:8,289,319, C>T. VCF-style: chr17-8289319-C-T. GRCh37 (hg19) VCF-style: chr17-8192637-C-T.
Other names: c.256C>T, p.Gln86Ter (NM_001177801.2, NM_001177802.2, NM_001330127.2); c.*164G>A (NM_001320872.2); c.*297G>A (NM_201520.3); c.*42+255G>A (NM_001320871.2); short protein forms Q86*.
Identifiers: ClinVar variation 1345585 (VCV001345585.6), dbSNP rs199622161, ClinGen allele CA8374378.

ClinVar aggregate classification (germline): Uncertain significance (1 of 4 stars; one submission).

Conditions:
Cardiac arrhythmia. Also called: Cardiac rhythm disease; Arrhythmia. Identifiers: MedGen C0003811, MONDO:0007263, HP:0011675.

Allele frequency attached by ClinVar (database versions not stated): ExAC 0.00002; gnomAD exomes 0.00001; gnomAD 0.00001; TOPMed 0.00002.
gnomAD v4.1: 24 of 1,614,036 alleles (0.0015%); highest among the groups gnomAD compares: Non-Finnish European, 0.0019%; no homozygotes.

Submission:

Labcorp Genetics (formerly Invitae), Labcorp
Classification: Uncertain significance for Cardiac arrhythmia. Last evaluated: 2021-03-23. Review status: criteria provided, single submitter. Criteria: Invitae Variant Classification Sherloc (09022015). Collection method: clinical testing. Allele origin: germline.
Comment: In summary, the available evidence is currently insufficient to determine the role of this variant in disease. Therefore, it has been classified as a Variant of Uncertain Significance. This variant has not been reported in the literature in individuals with RANGRF-related conditions. This variant is present in population databases (rs199622161, ExAC 0.003%). This sequence change creates a premature translational stop signal (p.Gln86*) in the RANGRF gene. It is expected to result in an absent or disrupted protein product. However, the current clinical and genetic evidence is not sufficient to establish whether loss-of-function variants in RANGRF cause disease.